The following is an entry in ClinVar:

ClinVar aggregate classification (germline): Conflicting classifications of pathogenicity. Review status: criteria provided, conflicting classifications (1 of 4 stars). 2 submissions from 2 submitters: Uncertain significance (1); Likely benign (1). Last evaluated 2023-10-23.

Conditions:
Cholestanol storage disease (CTX). Also called: CEREBRAL CHOLESTERINOSIS; Cerebrotendinous Xanthomatosis; CTX: Cerebrotendinous xanthomatosis. Identifiers: Orphanet 909, MedGen C0238052, MONDO:0008948, OMIM 213700.

Allele frequency attached by ClinVar (database versions not stated): gnomAD 0.00001; gnomAD exomes 0.00001; ExAC 0.00002.
gnomAD v4.1: 26 of 1,614,086 alleles (0.0016%); highest among the groups gnomAD compares: South Asian, 0.0044%; no homozygotes.

Submissions (2):

Blueprint Genetics
Classification: Likely benign. Last evaluated: 2023-10-23. Review status: criteria provided, single submitter. Criteria: ACMG Guidelines, 2015. Collection method: clinical testing. Allele origin: germline.

Labcorp Genetics (formerly Invitae), Labcorp
Classification: Uncertain significance for Cholestanol storage disease. Last evaluated: 2022-07-06. Review status: criteria provided, single submitter. Criteria: Invitae Variant Classification Sherloc (09022015). Collection method: clinical testing. Allele origin: germline.
Comment: This sequence change affects codon 421 of the CYP27A1 mRNA. It is a 'silent' change, meaning that it does not change the encoded amino acid sequence of the CYP27A1 protein. It affects a nucleotide within the consensus splice site. This variant is present in population databases (rs748358246, gnomAD 0.006%). This variant has not been reported in the literature in individuals affected with CYP27A1-related conditions. ClinVar contains an entry for this variant (Variation ID: 1493706). Algorithms developed to predict the effect of sequence changes on RNA splicing suggest that this variant is not likely to affect RNA splicing. In summary, the available evidence is currently insufficient to determine the role of this variant in disease. Therefore, it has been classified as a Variant of Uncertain Significance.

NM_000784.4(CYP27A1):c.1263C>T (p.Asn421=)

Gene: CYP27A1 (cytochrome P450 family 27 subfamily A member 1; plus strand). Cytogenetic location: 2q35.
Variant type: single nucleotide variant.
Coding change: c.1263C>T on transcript NM_000784.4 (MANE Select); coding-DNA position 1263, C replaced by T.
Protein change: p.Asn421=; no amino-acid change (asparagine 421 retained).
Molecular consequence: synonymous variant.
Genome position (GRCh38, 1-based): chr2:218,814,458, C>T. VCF-style: chr2-218814458-C-T. GRCh37 (hg19) VCF-style: chr2-219679181-C-T.
Identifiers: ClinVar variation 1493706 (VCV001493706.6), dbSNP rs748358246, ClinGen allele CA2112840.